The following is an entry in ClinVar:

ClinVar aggregate classification (germline): Pathogenic. Review status: criteria provided, multiple submitters, no conflicts (2 of 4 stars). 2 submissions from 2 submitters: Pathogenic (2). Last evaluated 2026-05-15.

Conditions:
Ellis-van Creveld syndrome (EVC). Also called: Chondroectodermal dysplasia; MESOECTODERMAL DYSPLASIA. Identifiers: Orphanet 289, MedGen C0013903, MONDO:0009162, OMIM 225500.

Submissions (2):

Women's Health and Genetics/Laboratory Corporation of America, LabCorp
Classification: Pathogenic for Ellis-van Creveld syndrome. Last evaluated: 2026-05-15. Review status: criteria provided, single submitter. Criteria: LabCorp Variant Classification Summary - May 2015. Collection method: clinical testing. Allele origin: germline.
Comment: Variant summary: EVC2 c.329dupT (p.Ile111HisfsX10) results in a premature termination codon, predicted to cause a truncation of the encoded protein or absence of the protein due to nonsense mediated decay, which are commonly known mechanisms for disease. The variant was absent in 251490 control chromosomes. To our knowledge, no occurrence of c.329dupT in individuals affected with EVC2-related conditions and no experimental evidence demonstrating its impact on protein function have been reported. No submitters have cited clinical-significance assessments for this variant to ClinVar. To our knowledge, this variant has not been reported in individuals with autosomal dominant Weyers acrodental dysostosis (WAD). Based on the evidence outlined above, the variant was classified as pathogenic for autosomal recessive Ellis-van Creveld syndrome.

Myriad Genetics, Inc.
Classification: Pathogenic for Ellis-van Creveld syndrome. Last evaluated: 2026-02-12. Review status: criteria provided, single submitter. Criteria: Myriad Autosomal Dominant, Autosomal Recessive and X-Linked Classification Criteria (2023). Collection method: clinical testing. Allele origin: unknown.
Comment: NM_147127.4(EVC2):c.329dupT(I111Hfs*10) is a frameshift variant classified as pathogenic in the context of EVC2-related Ellis-van Creveld syndrome. I111Hfs*10 has not been observed in cases with relevant disease. Relevant functional assessments of this variant are not available in the literature. I111Hfs*10 has not been observed in referenced population frequency databases. In summary, NM_147127.4(EVC2):c.329dupT(I111Hfs*10) is a frameshift variant in a gene where loss of function is a known mechanism of disease and is predicted to disrupt protein function. Please note: this variant was assessed in the context of healthy population screening.

NM_147127.5(EVC2):c.329dup (p.Ile111fs)

Gene: EVC2 (EvC ciliary complex subunit 2; minus strand). Cytogenetic location: 4p16.2.
Variant type: Duplication.
Coding change: c.329dup on transcript NM_147127.5 (MANE Select); coding-DNA position 329, one base duplicated (T; older notation c.329dupT).
Protein change: p.Ile111fs; shifts the reading frame from isoleucine 111.
Molecular consequence: frameshift variant.
Genome position (GRCh38, 1-based): chr4:5,694,456, A duplicated on the plus strand (T on the coding strand, the reverse complement: EVC2 is on the minus strand); the first of 2 consecutive A bases (chr4:5,694,456-5,694,457); duplicating either gives the same sequence. VCF-style (leftmost placement, unchanged base first): chr4-5694455-G-GA. GRCh37 (hg19) VCF-style: chr4-5696182-G-GA.
Other names: c.89dup, p.Ile31fs (NM_001166136.2); c.329dupT (NM_147127.5); short protein forms I111fs, I31fs.
Identifiers: ClinVar variation 4853058 (VCV004853058.2).